The following is an entry in ClinVar:

NM_014314.4(RIGI):c.2458A>G (p.Thr820Ala)

Genes: RIGI (RNA sensor RIG-I; minus strand), LOC101060445 (uncharacterized LOC101060445; plus strand). Cytogenetic location: 9p21.1.
Variant type: single nucleotide variant.
Coding change: c.2458A>G on transcript NM_014314.4 (MANE Select); coding-DNA position 2458, A replaced by G.
Protein change: p.Thr820Ala; replaces threonine 820 with alanine.
Molecular consequence: missense variant.
Genome position (GRCh38, 1-based): chr9:32,459,394, T>C on the plus strand (A>G on the coding strand, the complement: RIGI is on the minus strand). VCF-style: chr9-32459394-T-C. GRCh37 (hg19) VCF-style: chr9-32459392-T-C.
Other names: c.2452A>G, p.Thr818Ala (NM_001385907.1); c.2287A>G, p.Thr763Ala (NM_001385909.1); c.2017A>G, p.Thr673Ala (NM_001385910.1); c.1849A>G, p.Thr617Ala (NM_001385912.1); c.2443A>G, p.Thr815Ala (NM_001385913.1); c.2014A>G, p.Thr672Ala (NM_001385914.1); short protein forms T763A, T820A, T818A, T617A, T672A, T673A, T815A.
Identifiers: ClinVar variation 2596908 (VCV002596908.4), dbSNP rs538144932, ClinGen allele CA5019496.

ClinVar aggregate classification (germline): Uncertain significance. Review status: criteria provided, multiple submitters, no conflicts (2 of 4 stars). 2 submissions from 2 submitters: Uncertain significance (2). Last evaluated 2025-12-27.

Conditions:
Inborn genetic diseases. Identifiers: MedGen C0950123, MeSH D030342.

Allele frequency attached by ClinVar (database versions not stated): gnomAD 0.00001; gnomAD exomes 0.00001; TOPMed 0.00001; ExAC 0.00002; 1000 Genomes Project 30x 0.00016; 1000 Genomes Project 0.00020.
gnomAD v4.1: 7 of 1,613,838 alleles (0.00043%); highest among the groups gnomAD compares: East Asian, 0.016%; no homozygotes.

Submissions (2):

Labcorp Genetics (formerly Invitae), Labcorp
Classification: Uncertain significance. Last evaluated: 2025-12-27. Review status: criteria provided, single submitter. Criteria: Invitae Variant Classification Sherloc (09022015). Collection method: clinical testing. Allele origin: germline.
Comment: This sequence change replaces threonine, which is neutral and polar, with alanine, which is neutral and non-polar, at codon 820 of the DDX58 protein (p.Thr820Ala). This variant is present in population databases (rs538144932, gnomAD 0.04%). This variant has not been reported in the literature in individuals affected with DDX58-related conditions. ClinVar contains an entry for this variant (Variation ID: 2596908). Invitae Evidence Modeling of protein sequence and biophysical properties (such as structural, functional, and spatial information, amino acid conservation, physicochemical variation, residue mobility, and thermodynamic stability) indicates that this missense variant is not expected to disrupt DDX58 protein function with a negative predictive value of 80%. In summary, the available evidence is currently insufficient to determine the role of this variant in disease. Therefore, it has been classified as a Variant of Uncertain Significance.

Ambry Genetics
Classification: Uncertain significance for Inborn genetic diseases. Last evaluated: 2025-08-10. Review status: criteria provided, single submitter. Criteria: Ambry Variant Classification Scheme 2023. Collection method: clinical testing. Allele origin: germline.